The following is an entry in ClinVar:

NM_004963.4(GUCY2C):c.865G>C (p.Asp289His)

Genes: GUCY2C (guanylate cyclase 2C; minus strand), GUCY2C-AS1 (GUCY2C antisense RNA 1; plus strand). Cytogenetic location: 12p12.3.
Variant type: single nucleotide variant.
Coding change: c.865G>C on transcript NM_004963.4 (MANE Select); coding-DNA position 865, G replaced by C.
Protein change: p.Asp289His; replaces aspartic acid 289 with histidine.
Molecular consequence: missense variant.
Genome position (GRCh38, 1-based): chr12:14,676,937, C>G on the plus strand (G>C on the coding strand, the complement: GUCY2C is on the minus strand). VCF-style: chr12-14676937-C-G. GRCh37 (hg19) VCF-style: chr12-14829871-C-G.
Other names: short protein forms D289H.
Identifiers: ClinVar variation 2187938 (VCV002187938.4), dbSNP rs201784983, ClinGen allele CA6463626.

ClinVar aggregate classification (germline): Uncertain significance (1 of 4 stars; one submission).

Allele frequency attached by ClinVar (database versions not stated): gnomAD 0.00001; ExAC 0.00003; TOPMed 0.00005.
gnomAD v4.1: 67 of 1,560,904 alleles (0.0043%); highest among the groups gnomAD compares: Non-Finnish European, 0.0007%; no homozygotes.

Submission:

Labcorp Genetics (formerly Invitae), Labcorp
Classification: Uncertain significance. Last evaluated: 2026-01-02. Review status: criteria provided, single submitter. Criteria: Invitae Variant Classification Sherloc (09022015). Collection method: clinical testing. Allele origin: germline.
Comment: This sequence change replaces aspartic acid, which is acidic and polar, with histidine, which is basic and polar, at codon 289 of the GUCY2C protein (p.Asp289His). This variant is present in population databases (rs201784983, gnomAD 0.2%). This variant has not been reported in the literature in individuals affected with GUCY2C-related conditions. ClinVar contains an entry for this variant (Variation ID: 2187938). Invitae Evidence Modeling of protein sequence and biophysical properties (such as structural, functional, and spatial information, amino acid conservation, physicochemical variation, residue mobility, and thermodynamic stability) indicates that this missense variant is not expected to disrupt GUCY2C protein function with a negative predictive value of 80%. In summary, the available evidence is currently insufficient to determine the role of this variant in disease. Therefore, it has been classified as a Variant of Uncertain Significance.